The following is an entry in ClinVar:

ClinVar aggregate classification (germline): Likely benign. Review status: criteria provided, single submitter (1 of 4 stars). 2 submissions from 2 submitters: Likely benign (1). 1 of the submissions does not count toward it. Last evaluated 2025-06-12.

Conditions:
NDUFB8-related disorder. Also called: NDUFB8-related condition.

Allele frequency attached by ClinVar (database versions not stated): gnomAD exomes 0.00007; ExAC 0.00017; 1000 Genomes Project 0.00080; gnomAD 0.00083; ESP Exome Variant Server 0.00085; TOPMed 0.00096; 1000 Genomes Project 30x 0.00109.
gnomAD v4.1: 237 of 1,611,486 alleles (0.015%); highest among the groups gnomAD compares: African/African-American, 0.26%; no homozygotes.

Submissions (2):

Labcorp Genetics (formerly Invitae), Labcorp
Classification: Likely benign. Last evaluated: 2025-06-12. Review status: criteria provided, single submitter. Criteria: Invitae Variant Classification Sherloc (09022015). Collection method: clinical testing. Allele origin: germline.

PreventionGenetics, part of Exact Sciences
Classification: Likely benign for NDUFB8-related condition. Last evaluated: 2022-07-28. Review status: no assertion criteria provided. Collection method: clinical testing. Allele origin: germline. Not counted in ClinVar's aggregate classification.
Comment: This variant is classified as likely benign based on ACMG/AMP sequence variant interpretation guidelines (Richards et al. 2015 PMID: 25741868, with internal and published modifications).

NM_005004.4(NDUFB8):c.368C>G (p.Pro123Arg)

Gene: NDUFB8 (NADH:ubiquinone oxidoreductase subunit B8; minus strand). Cytogenetic location: 10q24.31.
Variant type: single nucleotide variant.
Coding change: c.368C>G on transcript NM_005004.4 (MANE Select); coding-DNA position 368, C replaced by G.
Protein change: p.Pro123Arg; replaces proline 123 with arginine.
Molecular consequence: missense variant.
Genome position (GRCh38, 1-based): chr10:100,526,499, G>C on the plus strand (C>G on the coding strand, the complement: NDUFB8 is on the minus strand). VCF-style: chr10-100526499-G-C. GRCh37 (hg19) VCF-style: chr10-102286256-G-C.
Other names: c.368C>G, p.Pro123Arg (NM_001284367.2); c.275C>G, p.Pro92Arg (NM_001284368.1); c.368C>G (NM_005004.3); short protein forms P123R, P92R.
Identifiers: ClinVar variation 2069291 (VCV002069291.6), dbSNP rs74154666, ClinGen allele CA5650163.